The following is an entry in ClinVar:

ClinVar aggregate classification (germline): Uncertain significance. Review status: criteria provided, multiple submitters, no conflicts (2 of 4 stars). 2 submissions from 2 submitters: Uncertain significance (2). Last evaluated 2025-10-06.

Conditions:
Pheochromocytoma/paraganglioma syndrome 3. Also called: GLOMUS TUMORS, FAMILIAL, 3; Paragangliomas 3; SDHC-Related Hereditary Paraganglioma-Pheochromocytoma Syndrome (Paragangliomas 3); SDHC-Related Hereditary Paraganglioma-Pheochromocytoma Syndrome. Identifiers: Orphanet 29072, MedGen C1854336, MONDO:0011544, OMIM 605373.
Gastrointestinal stromal tumor. Also called: Gastrointestinal stromal tumor, somatic; Gastrointestinal stroma tumor. Identifiers: Orphanet 44890, MedGen C0238198, MeSH D046152, MONDO:0011719, OMIM 606764, HP:0100723.
Hereditary cancer-predisposing syndrome. Also called: Neoplastic Syndromes, Hereditary; Tumor predisposition; Hereditary Cancer Syndrome; Hereditary neoplastic syndrome. Identifiers: Orphanet 140162, MedGen C0027672, MeSH D009386, MONDO:0015356.

Allele frequency attached by ClinVar (database versions not stated): gnomAD exomes below 0.00001 and 0.00002; ExAC 0.00001; gnomAD 0.00001.
gnomAD v4.1: 4 of 1,606,634 alleles (0.00025%); highest among the groups gnomAD compares: Admixed American, 0.005%; no homozygotes.

Submissions (2):

Labcorp Genetics (formerly Invitae), Labcorp
Classification: Uncertain significance for Pheochromocytoma/paraganglioma syndrome 3; Gastrointestinal stromal tumor. Last evaluated: 2025-10-06. Review status: criteria provided, single submitter. Criteria: Invitae Variant Classification Sherloc (09022015). Collection method: clinical testing. Allele origin: germline.
Comment: This sequence change falls in intron 2 of the SDHC gene. It does not directly change the encoded amino acid sequence of the SDHC protein. It affects a nucleotide within the consensus splice site. This variant is present in population databases (rs750363498, gnomAD 0.006%). This variant has not been reported in the literature in individuals affected with SDHC-related conditions. ClinVar contains an entry for this variant (Variation ID: 857254). Variants that disrupt the consensus splice site are a relatively common cause of aberrant splicing (PMID: 17576681, 9536098). Algorithms developed to predict the effect of sequence changes on RNA splicing suggest that this variant is not likely to affect RNA splicing. In summary, the available evidence is currently insufficient to determine the role of this variant in disease. Therefore, it has been classified as a Variant of Uncertain Significance.

Ambry Genetics
Classification: Uncertain significance for Hereditary cancer-predisposing syndrome. Last evaluated: 2025-09-15. Review status: criteria provided, single submitter. Criteria: Ambry Variant Classification Scheme 2023. Collection method: clinical testing. Allele origin: germline.
Comment: The c.77+3A>G intronic variant results from an A to G substitution 3 nucleotides after coding exon 2 in the SDHC gene. This nucleotide position is highly conserved in available vertebrate species. In silico splice site analysis for this alteration is inconclusive. Based on the available evidence, the clinical significance of this variant remains unclear.

Literature cited by the submitters: PubMed 17576681 (cited by Labcorp Genetics (formerly Invitae), Labcorp); PubMed 9536098 (cited by Labcorp Genetics (formerly Invitae), Labcorp).

NM_003001.5(SDHC):c.77+3A>G

Gene: SDHC (succinate dehydrogenase complex subunit C; plus strand). Cytogenetic location: 1q23.3.
Variant type: single nucleotide variant.
Coding change: c.77+3A>G on transcript NM_003001.5 (MANE Select); 3 bases into the intron after coding-DNA position 77, A replaced by G.
Molecular consequence: intron variant.
Genome position (GRCh38, 1-based): chr1:161,323,673, A>G. VCF-style: chr1-161323673-A-G. GRCh37 (hg19) VCF-style: chr1-161293463-A-G.
Other names: c.-35+3A>G (NM_001407119.1); c.-153+3A>G (NM_001407120.1); c.77+3A>G (NM_001407115.1, NM_001035511.3, NM_001035512.3 and 2 more transcripts); c.21-4723A>G (NM_001407116.1, NM_001407121.1, NM_001407117.1); c.20+9248A>G (NM_001035513.3).
Identifiers: ClinVar variation 857254 (VCV000857254.9), dbSNP rs750363498, ClinGen allele CA048499.
Genomic context (GRCh38, chr1:161,323,673, plus strand): 5'-GACACGTTGGTCGTCATTGCCTCCGAGCCCACTTTAGCCCTCAGCTCTGTATCAGAAAGT[A>G]AGTTTCTAAGTCTGGAGATTATTTATTTATTTTTTTTTTTGAGACGGAGTCTCGCTCTGT-3'